The following is an entry in ClinVar:

NM_020247.5(COQ8A):c.1547_1548del (p.Arg516fs)

Gene: COQ8A (coenzyme Q8A; plus strand). Cytogenetic location: 1q42.13.
Variant type: Deletion.
Coding change: c.1547_1548del on transcript NM_020247.5 (MANE Select); coding-DNA positions 1547 to 1548, 2 bases deleted (GA; older notation c.1547_1548delGA).
Protein change: p.Arg516fs; shifts the reading frame from arginine 516.
Molecular consequence: frameshift variant.
Genome position (GRCh38, 1-based): chr1:226,984,916-226,984,917, GA deleted; deleting any 2 consecutive bases within chr1:226,984,915-226,984,917 gives the same sequence; the c. name uses the placement nearest the transcript's 3' end. VCF-style (leftmost placement, unchanged base first): chr1-226984914-CAG-C. GRCh37 (hg19) VCF-style: chr1-227172615-CAG-C.
Other names: short protein forms R516fs.
Identifiers: ClinVar variation 4695376 (VCV004695376.1).
Genomic context (GRCh38, chr1:226,984,914, plus strand): 5'-CTCCTGGTGTCTCTGTCCCCAGGTGGCTCTTTTGGATTTTGGGGCAACGCGGGAATATGA[CAG>C]ATCCTTCACCGACCTCTACATTCAGGTAACTGGAGAGGGGCCCTGGCCTTGGTCCATGTT-3'

ClinVar aggregate classification (germline): Pathogenic (1 of 4 stars; one submission).

Submission:

Labcorp Genetics (formerly Invitae), Labcorp
Classification: Pathogenic. Last evaluated: 2025-04-18. Review status: criteria provided, single submitter. Criteria: Invitae Variant Classification Sherloc (09022015). Collection method: clinical testing. Allele origin: germline.
Comment: This sequence change creates a premature translational stop signal (p.Arg516Ilefs*57) in the COQ8A gene. While this is not anticipated to result in nonsense mediated decay, it is expected to disrupt the last 132 amino acid(s) of the COQ8A protein. This variant is not present in population databases (gnomAD no frequency). This variant has not been reported in the literature in individuals affected with COQ8A-related conditions. This variant disrupts a region of the COQ8A protein in which other variant(s) (p.Thr584del) have been determined to be pathogenic (PMID: 18319074, 27572814, 29915382, 30637285). This suggests that this is a clinically significant region of the protein, and that variants that disrupt it are likely to be disease-causing. For these reasons, this variant has been classified as Pathogenic.

Literature cited by the submitters: PubMed 18319074; PubMed 27572814; PubMed 29915382; PubMed 30637285.